The following is an entry in ClinVar:

NM_017763.6(RNF43):c.376-14G>C

Gene: RNF43 (ring finger protein 43; minus strand). Cytogenetic location: 17q22.
Variant type: single nucleotide variant.
Coding change: c.376-14G>C on transcript NM_017763.6 (MANE Select); 14 bases into the intron before coding-DNA position 376, G replaced by C.
Molecular consequence: intron variant.
Genome position (GRCh38, 1-based): chr17:58,363,614, C>G on the plus strand (G>C on the coding strand, the complement: RNF43 is on the minus strand). VCF-style: chr17-58363614-C-G. GRCh37 (hg19) VCF-style: chr17-56440975-C-G.
Other names: c.376-14G>C (NM_001438822.1, NM_001305544.3, NM_001438820.1 and 1 more transcripts); c.-6-14G>C (NM_001305545.2, NM_001437987.1).
Identifiers: ClinVar variation 3256356 (VCV003256356.3).

ClinVar aggregate classification (germline): Likely benign. Review status: criteria provided, multiple submitters, no conflicts (2 of 4 stars). 2 submissions from 2 submitters: Likely benign (2). Last evaluated 2026-06-26.

Conditions:
Sessile serrated polyposis cancer syndrome (SSPCS). Identifiers: Orphanet 157798, MedGen C4310714, MONDO:0014919, OMIM 617108.

gnomAD v4.1: 8 of 1,606,582 alleles (0.0005%); highest among the groups gnomAD compares: Non-Finnish European, 0.00068%; no homozygotes.

Submissions (2):

Myriad Genetics, Inc.
Classification: Likely benign for Sessile serrated polyposis cancer syndrome. Last evaluated: 2026-06-26. Review status: criteria provided, single submitter. Criteria: Myriad Autosomal Dominant, Autosomal Recessive and X-Linked Classification Criteria (2023). Collection method: clinical testing. Allele origin: unknown.
Comment: This variant is considered likely benign. This variant is intronic and is not expected to impact mRNA splicing.

Center for Genomic Medicine, Rigshospitalet, Copenhagen University Hospital
Classification: Likely benign. Last evaluated: 2025-03-04. Review status: criteria provided, single submitter. Criteria: ACMG Guidelines, 2015. Collection method: clinical testing. Allele origin: germline.